The following is an entry in ClinVar:

NM_001927.4(DES):c.29G>A (p.Arg10His)

Gene: DES (desmin; plus strand). Cytogenetic location: 2q35.
Variant type: single nucleotide variant.
Coding change: c.29G>A on transcript NM_001927.4 (MANE Select); coding-DNA position 29, G replaced by A.
Protein change: p.Arg10His; replaces arginine 10 with histidine.
Molecular consequence: missense variant.
Genome position (GRCh38, 1-based): chr2:219,418,491, G>A. VCF-style: chr2-219418491-G-A. GRCh37 (hg19) VCF-style: chr2-220283213-G-A.
Other names: c.29G>A, p.Arg10His (NM_001382708.1, NM_001382709.1, NM_001382710.1 and 3 more transcripts); short protein forms R10H.
Identifiers: ClinVar variation 1353863 (VCV001353863.6), dbSNP rs757839952, ClinGen allele CA2125004.

ClinVar aggregate classification (germline): Uncertain significance (1 of 4 stars; one submission).

Conditions:
Desmin-related myofibrillar myopathy (MFM1). Also called: Desminopathy; Desmin related myopathy (former name); Desmin storage myopathy (former name); MYOFIBRILLAR MYOPATHY WITH ARRHYTHMOGENIC RIGHT VENTRICULAR CARDIOMYOPATHY; DESMIN-RELATED MYOPATHY WITH ARRHYTHMOGENIC RIGHT VENTRICULAR CARDIOMYOPATHY; Myofibrillar myopathy 1. Identifiers: Orphanet 363543, Orphanet 98909, MedGen C1832370, MONDO:0011076, OMIM 601419.

Allele frequency attached by ClinVar (database versions not stated): TOPMed below 0.00001; gnomAD 0.00001; gnomAD exomes 0.00001; ExAC 0.00002.
gnomAD v4.1: 8 of 1,600,790 alleles (0.0005%); highest among the groups gnomAD compares: East Asian, 0.018%; no homozygotes.

Submission:

Labcorp Genetics (formerly Invitae), Labcorp
Classification: Uncertain significance for Desmin-related myofibrillar myopathy. Last evaluated: 2023-04-16. Review status: criteria provided, single submitter. Criteria: Invitae Variant Classification Sherloc (09022015). Collection method: clinical testing. Allele origin: germline.
Comment: ClinVar contains an entry for this variant (Variation ID: 1353863). In summary, the available evidence is currently insufficient to determine the role of this variant in disease. Therefore, it has been classified as a Variant of Uncertain Significance. Advanced modeling of protein sequence and biophysical properties (such as structural, functional, and spatial information, amino acid conservation, physicochemical variation, residue mobility, and thermodynamic stability) has been performed at Invitae for this missense variant, however the output from this modeling did not meet the statistical confidence thresholds required to predict the impact of this variant on DES protein function. This variant has not been reported in the literature in individuals affected with DES-related conditions. The frequency data for this variant in the population databases is considered unreliable, as metrics indicate poor data quality at this position in the gnomAD database. This sequence change replaces arginine, which is basic and polar, with histidine, which is basic and polar, at codon 10 of the DES protein (p.Arg10His).